The following is an entry in ClinVar:

ClinVar aggregate classification (germline): Uncertain significance (1 of 4 stars; one submission).

gnomAD v4.1: 5 of 1,612,062 alleles (0.00031%); highest among the groups gnomAD compares: South Asian, 0.0011%; no homozygotes.

Submission:

GeneDx
Classification: Uncertain significance. Last evaluated: 2024-11-14. Review status: criteria provided, single submitter. Criteria: GeneDx Variant Classification Process June 2021. Collection method: clinical testing. Allele origin: germline. Affected: yes.
Comment: Not observed at significant frequency in large population cohorts (gnomAD); In silico analysis supports that this missense variant has a deleterious effect on protein structure/function; Has not been previously published as pathogenic or benign to our knowledge

NM_006390.4(IPO8):c.2254A>G (p.Arg752Gly)

Gene: IPO8 (importin 8; minus strand). Cytogenetic location: 12p11.21.
Variant type: single nucleotide variant.
Coding change: c.2254A>G on transcript NM_006390.4 (MANE Select); coding-DNA position 2254, A replaced by G.
Protein change: p.Arg752Gly; replaces arginine 752 with glycine.
Molecular consequence: missense variant.
Genome position (GRCh38, 1-based): chr12:30,649,151, T>C on the plus strand (A>G on the coding strand, the complement: IPO8 is on the minus strand). VCF-style: chr12-30649151-T-C. GRCh37 (hg19) VCF-style: chr12-30802085-T-C.
Other names: c.1639A>G, p.Arg547Gly (NM_001190995.2); short protein forms R547G, R752G.
Identifiers: ClinVar variation 3899662 (VCV003899662.1).